The following is an entry in ClinVar:

NM_022356.4(P3H1):c.933C>G (p.Tyr311Ter)

Gene: P3H1 (prolyl 3-hydroxylase 1; minus strand). Cytogenetic location: 1p34.2.
Variant type: single nucleotide variant.
Coding change: c.933C>G on transcript NM_022356.4 (MANE Select); coding-DNA position 933, C replaced by G.
Protein change: p.Tyr311Ter; replaces tyrosine 311 with a stop codon.
Molecular consequence: nonsense.
Genome position (GRCh38, 1-based): chr1:42,758,859, G>C on the plus strand (C>G on the coding strand, the complement: P3H1 is on the minus strand). VCF-style: chr1-42758859-G-C. GRCh37 (hg19) VCF-style: chr1-43224530-G-C.
Other names: c.933C>G, p.Tyr311Ter (NM_001146289.2, NM_001243246.2); short protein forms Y311*.
Identifiers: ClinVar variation 1384126 (VCV001384126.9), dbSNP rs72659350, ClinGen allele CA21245248.

ClinVar aggregate classification (germline): Pathogenic (1 of 4 stars; one submission).

Conditions:
Osteogenesis imperfecta type 8 (OI8). Identifiers: MedGen C1970458, MONDO:0012581, OMIM 610915.

Submission:

Labcorp Genetics (formerly Invitae), Labcorp
Classification: Pathogenic for Osteogenesis imperfecta type 8. Last evaluated: 2022-03-03. Review status: criteria provided, single submitter. Criteria: Invitae Variant Classification Sherloc (09022015). Collection method: clinical testing. Allele origin: germline.
Comment: For these reasons, this variant has been classified as Pathogenic. This premature translational stop signal has been observed in individual(s) with osteogenesis imperfecta (PMID: 18566967). This variant is not present in population databases (gnomAD no frequency). This sequence change creates a premature translational stop signal (p.Tyr311*) in the P3H1 gene. It is expected to result in an absent or disrupted protein product. Loss-of-function variants in P3H1 are known to be pathogenic (PMID: 17277775, 18566967, 19088120, 22281939).

Literature cited by the submitters: PubMed 18566967; PubMed 17277775; PubMed 19088120; PubMed 22281939.